The following is an entry in ClinVar:

NM_014321.4(ORC6):c.390A>T (p.Gln130His)

Gene: ORC6 (origin recognition complex subunit 6; plus strand). Cytogenetic location: 16q11.2.
Variant type: single nucleotide variant.
Coding change: c.390A>T on transcript NM_014321.4 (MANE Select); coding-DNA position 390, A replaced by T.
Protein change: p.Gln130His; replaces glutamine 130 with histidine.
Molecular consequence: missense variant. On other transcripts: non-coding transcript variant (1).
Genome position (GRCh38, 1-based): chr16:46,693,123, A>T. VCF-style: chr16-46693123-A-T. GRCh37 (hg19) VCF-style: chr16-46727035-A-T.
Other names: short protein forms Q130H.
Identifiers: ClinVar variation 887922 (VCV000887922.9), dbSNP rs372048763, ClinGen allele CA280230515.

ClinVar aggregate classification (germline): Uncertain significance. Review status: criteria provided, multiple submitters, no conflicts (2 of 4 stars). 3 submissions from 3 submitters: Uncertain significance (3). Last evaluated 2025-11-20.

Conditions:
Meier-Gorlin syndrome 3 (MGORS3). Identifiers: Orphanet 2554, MedGen C3151113, MONDO:0013430, OMIM 613803.
Inborn genetic diseases. Identifiers: MedGen C0950123, MeSH D030342.

Allele frequency attached by ClinVar (database versions not stated): gnomAD 0.00003; TOPMed 0.00003; ESP Exome Variant Server 0.00008.
gnomAD v4.1: 33 of 1,612,554 alleles (0.002%); highest among the groups gnomAD compares: Non-Finnish European, 0.0027%; no homozygotes.

Submissions (3):

Ambry Genetics
Classification: Uncertain significance for Inborn genetic diseases. Last evaluated: 2025-11-20. Review status: criteria provided, single submitter. Criteria: Ambry Variant Classification Scheme 2023. Collection method: clinical testing. Allele origin: germline.

Labcorp Genetics (formerly Invitae), Labcorp
Classification: Uncertain significance. Last evaluated: 2022-07-03. Review status: criteria provided, single submitter. Criteria: Invitae Variant Classification Sherloc (09022015). Collection method: clinical testing. Allele origin: germline.
Comment: This variant has not been reported in the literature in individuals affected with ORC6-related conditions. This variant is present in population databases (rs372048763, gnomAD 0.003%). This sequence change replaces glutamine, which is neutral and polar, with histidine, which is basic and polar, at codon 130 of the ORC6 protein (p.Gln130His). ClinVar contains an entry for this variant (Variation ID: 887922). In summary, the available evidence is currently insufficient to determine the role of this variant in disease. Therefore, it has been classified as a Variant of Uncertain Significance. Algorithms developed to predict the effect of missense changes on protein structure and function output the following: SIFT: "Tolerated"; PolyPhen-2: "Benign"; Align-GVGD: "Class C0". The histidine amino acid residue is found in multiple mammalian species, which suggests that this missense change does not adversely affect protein function.

Illumina Laboratory Services, Illumina
Classification: Uncertain significance for Meier-Gorlin syndrome 3. Last evaluated: 2018-01-13. Review status: criteria provided, single submitter. Criteria: ICSL Variant Classification Criteria 13 December 2019. Collection method: clinical testing. Allele origin: germline.